The following is an entry in ClinVar:

ClinVar aggregate classification (germline): Conflicting classifications of pathogenicity. Review status: criteria provided, conflicting classifications (1 of 4 stars). 4 submissions from 4 submitters: Uncertain significance (2); Likely benign (1). 1 of the submissions does not count toward it. Last evaluated 2025-12-14.

Conditions:
Cardiomyopathy (CMYO). Also called: Cardiomyopathies. Identifiers: Orphanet 167848, MedGen C0878544, MONDO:0004994, HP:0001638. Inheritance: Various modes of inheritance.
Duchenne muscular dystrophy (DMD). Also called: MUSCULAR DYSTROPHY, PSEUDOHYPERTROPHIC PROGRESSIVE, DUCHENNE TYPE; Duchenne Muscular Dystrophy (DMD). Identifiers: Orphanet 98896, MedGen C0013264, MONDO:0010679, OMIM 310200.
Becker muscular dystrophy (BMD). Also called: Becker Muscular Dystrophy (BMD); MUSCULAR DYSTROPHY, PSEUDOHYPERTROPHIC PROGRESSIVE, BECKER TYPE. Identifiers: Orphanet 98895, MedGen C0917713, MONDO:0010311, OMIM 300376.
Dystrophin deficiency.
Cardiovascular phenotype. Identifiers: MedGen CN230736.

Allele frequency attached by ClinVar (database versions not stated): ExAC 0.00002; gnomAD exomes 0.00007 and 0.00003; ESP Exome Variant Server 0.00009; TOPMed 0.00002; gnomAD 0.00005.

Submissions (4):

Labcorp Genetics (formerly Invitae), Labcorp
Classification: Likely benign for Duchenne muscular dystrophy. Last evaluated: 2025-12-14. Review status: criteria provided, single submitter. Criteria: Invitae Variant Classification Sherloc (09022015). Collection method: clinical testing. Allele origin: germline.

Ambry Genetics
Classification: Uncertain significance for Cardiovascular phenotype. Last evaluated: 2025-06-25. Review status: criteria provided, single submitter. Criteria: Ambry Variant Classification Scheme 2023. Collection method: clinical testing. Allele origin: germline.
Comment: The p.M1064T variant (also known as c.3191T>C), located in coding exon 24 of the DMD gene, results from a T to C substitution at nucleotide position 3191. The methionine at codon 1064 is replaced by threonine, an amino acid with similar properties. Based on data from gnomAD, the C allele has an overall frequency of <0.01% (6/205056) total alleles studied, with 1 hemizygote(s) observed. The highest observed frequency was <0.01% (1/18623) of European (Finnish) alleles. This amino acid position is highly conserved in available vertebrate species. In addition, the in silico prediction for this alteration is inconclusive. Since supporting evidence is limited at this time, the clinical significance of this alteration remains unclear.

Eurofins Ntd Llc (ga)
Classification: Uncertain significance. Last evaluated: 2017-12-22. Review status: criteria provided, single submitter. Criteria: EGL Classification Definitions 2015. Collection method: clinical testing. Allele origin: germline. Observed: 1 variant allele, 1 heterozygote.

Natera, Inc.
Classification: Uncertain significance for Becker muscular dystrophy; Cardiomyopathy; Duchenne muscular dystrophy; Dystrophin deficiency. Last evaluated: 2018-08-31. Review status: no assertion criteria provided. Collection method: clinical testing. Allele origin: germline. Not counted in ClinVar's aggregate classification.

NM_004006.3(DMD):c.3191T>C (p.Met1064Thr)

Gene: DMD (dystrophin; minus strand). Cytogenetic location: Xp21.1.
Variant type: single nucleotide variant.
Coding change: c.3191T>C on transcript NM_004006.3 (MANE Select); coding-DNA position 3191, T replaced by C.
Protein change: p.Met1064Thr; replaces methionine 1064 with threonine.
Molecular consequence: missense variant.
Genome position (GRCh38, 1-based): chrX:32,464,671, A>G on the plus strand (T>C on the coding strand, the complement: DMD is on the minus strand). VCF-style: chrX-32464671-A-G. GRCh37 (hg19) VCF-style: chrX-32482788-A-G.
Other names: c.3167T>C, p.Met1056Thr (NM_000109.4); c.3179T>C, p.Met1060Thr (NM_004009.3); c.2822T>C, p.Met941Thr (NM_004010.3); short protein forms M1064T, M1056T, M1060T, M941T.
Identifiers: ClinVar variation 201747 (VCV000201747.15), dbSNP rs140106769, ClinGen allele CA308388.